The following is an entry in ClinVar:

ClinVar aggregate classification (germline): Uncertain significance. Review status: criteria provided, multiple submitters, no conflicts (2 of 4 stars). 2 submissions from 2 submitters: Uncertain significance (2). Last evaluated 2022-10-10.

Conditions:
Ehlers-Danlos syndrome, classic type, 1 (EDSCL1). Also called: Ehlers-Danlos syndrome, type 1; EHLERS-DANLOS SYNDROME, GRAVIS TYPE; EHLERS-DANLOS SYNDROME, SEVERE CLASSIC TYPE; Ehlers-Danlos Syndrome, Classic Type, COL5A1-Related; EDS I. Identifiers: MedGen C0268335, MONDO:0019567, OMIM 130000.

Submissions (2):

Labcorp Genetics (formerly Invitae), Labcorp
Classification: Uncertain significance for Ehlers-Danlos syndrome, classic type, 1. Last evaluated: 2022-10-10. Review status: criteria provided, single submitter. Criteria: Invitae Variant Classification Sherloc (09022015). Collection method: clinical testing. Allele origin: germline.
Comment: This sequence change replaces glycine, which is neutral and non-polar, with aspartic acid, which is acidic and polar, at codon 375 of the COL5A2 protein (p.Gly375Asp). This variant is not present in population databases (gnomAD no frequency). This variant has not been reported in the literature in individuals affected with COL5A2-related conditions. ClinVar contains an entry for this variant (Variation ID: 284659). Advanced modeling of protein sequence and biophysical properties (such as structural, functional, and spatial information, amino acid conservation, physicochemical variation, residue mobility, and thermodynamic stability) performed at Invitae indicates that this missense variant is expected to disrupt COL5A2 protein function. In summary, the available evidence is currently insufficient to determine the role of this variant in disease. Therefore, it has been classified as a Variant of Uncertain Significance.

Eurofins Ntd Llc (ga)
Classification: Uncertain significance. Last evaluated: 2015-11-19. Review status: criteria provided, single submitter. Criteria: EGL Classification Definitions 2015. Collection method: clinical testing. Allele origin: germline. Observed: 2 variant alleles, 2 heterozygotes.

NM_000393.5(COL5A2):c.1124G>A (p.Gly375Asp)

Gene: COL5A2 (collagen type V alpha 2 chain; minus strand). Cytogenetic location: 2q32.2.
Variant type: single nucleotide variant.
Coding change: c.1124G>A on transcript NM_000393.5 (MANE Select); coding-DNA position 1124, G replaced by A.
Protein change: p.Gly375Asp; replaces glycine 375 with aspartic acid.
Molecular consequence: missense variant.
Genome position (GRCh38, 1-based): chr2:189,072,074, C>T on the plus strand (G>A on the coding strand, the complement: COL5A2 is on the minus strand). VCF-style: chr2-189072074-C-T. GRCh37 (hg19) VCF-style: chr2-189936800-C-T.
Other names: short protein forms G375D.
Identifiers: ClinVar variation 284659 (VCV000284659.10), dbSNP rs886042913, ClinGen allele CA10604861.